The following is an entry in ClinVar:

NM_138386.3(NAF1):c.764G>A (p.Arg255Gln)

Gene: NAF1 (nuclear assembly factor 1 ribonucleoprotein; minus strand). Cytogenetic location: 4q32.2.
Variant type: single nucleotide variant.
Coding change: c.764G>A on transcript NM_138386.3 (MANE Select); coding-DNA position 764, G replaced by A.
Protein change: p.Arg255Gln; replaces arginine 255 with glutamine.
Molecular consequence: missense variant.
Genome position (GRCh38, 1-based): chr4:163,140,337, C>T on the plus strand (G>A on the coding strand, the complement: NAF1 is on the minus strand). VCF-style: chr4-163140337-C-T. GRCh37 (hg19) VCF-style: chr4-164061489-C-T.
Other names: c.764G>A, p.Arg255Gln (NM_001128931.2); short protein forms R255Q.
Identifiers: ClinVar variation 2732362 (VCV002732362.4), dbSNP rs1446711518, ClinGen allele CA358664158.

ClinVar aggregate classification (germline): Uncertain significance (1 of 4 stars; one submission).

Allele frequency attached by ClinVar (database versions not stated): gnomAD exomes below 0.00001; TOPMed 0.00001.
gnomAD v4.1: 4 of 1,607,204 alleles (0.00025%); highest among the groups gnomAD compares: African/African-American, 0.0027%; no homozygotes.

Submissions (2):

Labcorp Genetics (formerly Invitae), Labcorp
Classification: Uncertain significance. Last evaluated: 2023-11-03. Review status: criteria provided, single submitter. Criteria: Invitae Variant Classification Sherloc (09022015). Collection method: clinical testing. Allele origin: germline.
Comment: This sequence change replaces arginine, which is basic and polar, with glutamine, which is neutral and polar, at codon 255 of the NAF1 protein (p.Arg255Gln). This variant is present in population databases (no rsID available, gnomAD 0.0009%). This variant has not been reported in the literature in individuals affected with NAF1-related conditions. An algorithm developed to predict the effect of missense changes on protein structure and function (PolyPhen-2) suggests that this variant is likely to be disruptive. In summary, the available evidence is currently insufficient to determine the role of this variant in disease. Therefore, it has been classified as a Variant of Uncertain Significance.

Dr. Peter K. Rogan Lab, Western University
No classification provided (evidence only). Condition: Familial cancer of breast. Review status: no classification provided. Collection method: in vitro. Allele origin: not applicable. Functional consequence: retained intron. Not counted in ClinVar's aggregate classification.